The following is an entry in ClinVar:

NC_000003.11:g.(?_4490940)_(4494743_?)del

Gene: SUMF1 (sulfatase modifying factor 1; minus strand). Cytogenetic location: 3p26.1.
Variant type: Deletion.
Identifiers: ClinVar variation 1066062 (VCV001066062.1).

ClinVar aggregate classification (germline): Likely pathogenic (1 of 4 stars; one submission).

Conditions:
Multiple sulfatase deficiency (MSD). Also called: Multiple Sulfatase Deficiency Disease; Sulfatidosis, Juvenile, Austin Type; Mucosulfatidosis. Identifiers: Orphanet 585, MedGen C0268263, MONDO:0010088, OMIM 272200.

Submission:

Labcorp Genetics (formerly Invitae), Labcorp
Classification: Likely pathogenic for Multiple sulfatase deficiency. Last evaluated: 2020-07-14. Review status: criteria provided, single submitter. Criteria: Invitae Variant Classification Sherloc (09022015). Collection method: clinical testing. Allele origin: germline.
Comment: This variant is an in-frame deletion of the genomic region encompassing exons 2-3 of the SUMF1 gene. It preserves the integrity of the reading frame. This variant has not been reported in the literature in individuals with SUMF1-related conditions. This variant disrupts the p.Ser155 amino acid residue in SUMF1. Other variant(s) that disrupt this residue have been determined to be pathogenic (PMID: 12757706, 27344646, 21224894, 16125993, 25885655). This suggests that this residue is clinically significant, and that variants that disrupt this residue are likely to be disease-causing. In summary, the currently available evidence indicates that the variant is pathogenic, but additional data are needed to prove that conclusively. Therefore, this variant has been classified as Likely Pathogenic.

Literature cited by the submitters: PubMed 12757706; PubMed 27344646; PubMed 21224894; PubMed 16125993; PubMed 25885655.